The following is an entry in ClinVar:

NM_001386298.1(CIC):c.355AAG[2] (p.Lys121del)

Gene: CIC (capicua transcriptional repressor; plus strand). Cytogenetic location: 19q13.2.
Variant type: Microsatellite.
Coding change: c.355AAG[2] on transcript NM_001386298.1 (MANE Select); two copies in a row of the 3-base unit AAG starting at c.355; the reference has three copies in a row; one copy, 3 bases deleted.
Protein change: p.Lys121del; deletes lysine 121.
Molecular consequence: inframe deletion. On other transcripts: inframe indel (1), genic upstream transcript variant (1).
Genome position (GRCh38, 1-based): chr19:42,272,144-42,272,146, AAG deleted; deleting any 3 consecutive bases within chr19:42,272,138-42,272,146 gives the same sequence; the position shown is the placement nearest the transcript's 3' end. VCF-style (leftmost placement, unchanged base first): chr19-42272137-CAAG-C. GRCh37 (hg19) VCF-style: chr19-42776289-CAAG-C.
Other names: c.355AAG[2], p.Lys121del (NM_001304815.2, NM_001379480.1, NM_001379482.1); c.355_357AAG[2], p.Lys121del (NM_001379483.1); c.-12561_-12559delAAG (NM_015125.5); short protein forms K121del.
Identifiers: ClinVar variation 3063655 (VCV003063655.1), dbSNP rs762636574, ClinGen allele CA9471550.

ClinVar aggregate classification (germline): Uncertain significance (1 of 4 stars; one submission).

Submission:

Women's Health and Genetics/Laboratory Corporation of America, LabCorp
Classification: Uncertain significance. Last evaluated: 2024-01-23. Review status: criteria provided, single submitter. Criteria: LabCorp Variant Classification Summary - May 2015. Collection method: clinical testing. Allele origin: germline.
Comment: Variant summary: CIC c.-12561_-12559delAAG is located in the untranscribed region upstream of the CIC gene region. However, in a different transcript (NM_001304815.1) this variant corresponds to c.361_363del (p.Lys121del). Consensus agreement among computation tools predict no significant impact on normal splicing. However, these predictions have yet to be confirmed by functional studies. The variant allele was found at a frequency of 2.5e-05 in 396526 control chromosomes (i.e. 10 carriers; gnomAD v4). The available data on variant occurrences in the general population are insufficient to allow any conclusion about variant significance. To our knowledge, no occurrence of c.-12561_-12559delAAG in individuals affected with Mental Retardation, Autosomal Dominant 45 and no experimental evidence demonstrating its impact on protein function have been reported. No submitters have cited clinical-significance assessments for this variant to ClinVar. Based on the evidence outlined above, the variant was classified as uncertain significance.